The following is an entry in ClinVar:

ClinVar aggregate classification (germline): Uncertain significance (1 of 4 stars; one submission).

Submission:

Laboratory for Molecular Medicine, Mass General Brigham Personalized Medicine
Classification: Uncertain significance. Last evaluated: 2013-10-04. Review status: criteria provided, single submitter. Criteria: LMM Criteria. Collection method: clinical testing. Allele origin: germline. Inheritance: Autosomal dominant inheritance. Observed: 1 variant allele.
Comment: proposed classification - variant undergoing re-assessment, contact laboratory

NM_000257.4(MYH7):c.5015_5020del (p.Ala1672_Ile1673del)

Genes: MHRT (myosin heavy chain associated RNA transcript; plus strand), MYH7 (myosin heavy chain 7; minus strand), LOC126861897 (BRD4-independent group 4 enhancer GRCh37_chr14:23884455-23885654; plus strand). Cytogenetic location: 14q11.2.
Variant type: Deletion.
Coding change: c.5015_5020del on transcript NM_000257.4 (MANE Select); coding-DNA positions 5015 to 5020, 6 bases deleted (CCATCG; older notation c.5015_5020delCCATCG).
Protein change: p.Ala1672_Ile1673del.
Molecular consequence: inframe deletion. On other transcripts: non-coding transcript variant (1).
Genome position (GRCh38, 1-based): chr14:23,415,766-23,415,771, CGATGG deleted on the plus strand (CCATCG on the coding strand, the reverse complement: MYH7 is on the minus strand); deleting any 6 consecutive bases within chr14:23,415,766-23,415,776 gives the same sequence; the c. name uses the placement nearest the transcript's 3' end. VCF-style (leftmost placement, unchanged base first): chr14-23415765-ACGATGG-A. GRCh37 (hg19) VCF-style: chr14-23884974-ACGATGG-A.
Other names: c.5015_5020del (LRG_384t1).
Identifiers: ClinVar variation 43051 (VCV000043051.4), dbSNP rs397516234, ClinGen allele CA015559.